The following is an entry in ClinVar:

NM_005027.4(PIK3R2):c.175G>A (p.Gly59Ser)

Gene: PIK3R2 (phosphoinositide-3-kinase regulatory subunit 2; plus strand). Cytogenetic location: 19p13.11.
Variant type: single nucleotide variant.
Coding change: c.175G>A on transcript NM_005027.4 (MANE Select); coding-DNA position 175, G replaced by A.
Protein change: p.Gly59Ser; replaces glycine 59 with serine.
Molecular consequence: missense variant. On other transcripts: non-coding transcript variant (2).
Genome position (GRCh38, 1-based): chr19:18,156,054, G>A. VCF-style: chr19-18156054-G-A. GRCh37 (hg19) VCF-style: chr19-18266864-G-A.
Other names: short protein forms G59S.
Identifiers: ClinVar variation 1305078 (VCV001305078.2), dbSNP rs1373598294, ClinGen allele CA404800393.
Genomic context (GRCh38, chr19:18,156,054, plus strand): 5'-CAGGCGCTGGGCGTGGCCGAGGGTGGCGAGCGCTGCCCACAGAGCGTGGGCTGGATGCCC[G>A]GCCTCAACGAGCGCACACGGCAGCGAGGTGACTTCCCTGGCACCTATGTGGAGTTCCTGG-3'
Protein context (NP_005018.2, residues 49-69): RCPQSVGWMP[Gly59Ser]LNERTRQRGD

ClinVar aggregate classification (germline): Uncertain significance (1 of 4 stars; one submission).

Allele frequency attached by ClinVar (database versions not stated): gnomAD exomes below 0.00001; TOPMed below 0.00001; gnomAD 0.00001.

Submission:

GeneDx
Classification: Uncertain significance. Last evaluated: 2019-04-09. Review status: criteria provided, single submitter. Criteria: GeneDx Variant Classification Process June 2021. Collection method: clinical testing. Allele origin: germline. Affected: yes.
Comment: Not observed in large population cohorts (Lek et al., 2016); In silico analysis, which includes protein predictors and evolutionary conservation, supports a deleterious effect; Has not been previously published as pathogenic or benign to our knowledge